The following is an entry in ClinVar:

ClinVar aggregate classification (germline): Uncertain significance. Review status: criteria provided, multiple submitters, no conflicts (2 of 4 stars). 3 submissions from 3 submitters: Uncertain significance (3). Last evaluated 2024-11-25.

Conditions:
Cardiovascular phenotype. Identifiers: MedGen CN230736.
Dilated cardiomyopathy 1J (CMD1J). Also called: CARDIOMYOPATHY, DILATED, WITH SENSORINEURAL HEARING LOSS, AUTOSOMAL DOMINANT. Identifiers: Orphanet 217622, MedGen C1854368, MONDO:0011541, OMIM 605362.

Allele frequency attached by ClinVar (database versions not stated): gnomAD 0.00001; gnomAD exomes 0.00001; TOPMed 0.00001; ExAC 0.00002; 1000 Genomes Project 30x 0.00031; 1000 Genomes Project 0.00040.
gnomAD v4.1: 9 of 1,614,010 alleles (0.00056%); highest among the groups gnomAD compares: African/African-American, 0.0027%; no homozygotes.

Submissions (3):

GeneDx
Classification: Uncertain significance. Last evaluated: 2024-11-25. Review status: criteria provided, single submitter. Criteria: GeneDx Variant Classification Process June 2021. Collection method: clinical testing. Allele origin: germline. Affected: yes.
Comment: Not observed at significant frequency in large population cohorts (gnomAD); In silico analysis indicates that this missense variant does not alter protein structure/function; This variant is associated with the following publications: (PMID: 33745059)

Labcorp Genetics (formerly Invitae), Labcorp
Classification: Uncertain significance for Dilated cardiomyopathy 1J. Last evaluated: 2024-04-29. Review status: criteria provided, single submitter. Criteria: Invitae Variant Classification Sherloc (09022015). Collection method: clinical testing. Allele origin: germline.
Comment: This sequence change replaces serine, which is neutral and polar, with leucine, which is neutral and non-polar, at codon 170 of the EYA4 protein (p.Ser170Leu). This variant is present in population databases (rs184768806, gnomAD 0.007%). This variant has not been reported in the literature in individuals affected with EYA4-related conditions. ClinVar contains an entry for this variant (Variation ID: 1316071). Advanced modeling of protein sequence and biophysical properties (such as structural, functional, and spatial information, amino acid conservation, physicochemical variation, residue mobility, and thermodynamic stability) performed at Invitae indicates that this missense variant is not expected to disrupt EYA4 protein function with a negative predictive value of 80%. In summary, the available evidence is currently insufficient to determine the role of this variant in disease. Therefore, it has been classified as a Variant of Uncertain Significance.

Ambry Genetics
Classification: Uncertain significance for Cardiovascular phenotype. Last evaluated: 2022-10-28. Review status: criteria provided, single submitter. Criteria: Ambry Variant Classification Scheme 2023. Collection method: clinical testing. Allele origin: germline.
Comment: The p.S170L variant (also known as c.509C>T), located in coding exon 7 of the EYA4 gene, results from a C to T substitution at nucleotide position 509. The serine at codon 170 is replaced by leucine, an amino acid with dissimilar properties. This alteration has been reported in a subject with hearing loss (Ahmadmehrabi S et al. Hum Genet, 2021 Jun;140:957-967). This amino acid position is highly conserved in available vertebrate species. In addition, this alteration is predicted to be deleterious by in silico analysis. Since supporting evidence is limited at this time, the clinical significance of this alteration remains unclear.

Literature cited by the submitters: PubMed 33745059 (cited by Ambry Genetics).

NM_004100.5(EYA4):c.509C>T (p.Ser170Leu)

Gene: EYA4 (EYA transcriptional coactivator and phosphatase 4; plus strand). Cytogenetic location: 6q23.2.
Variant type: single nucleotide variant.
Coding change: c.509C>T on transcript NM_004100.5 (MANE Select); coding-DNA position 509, C replaced by T.
Protein change: p.Ser170Leu; replaces serine 170 with leucine.
Molecular consequence: missense variant.
Genome position (GRCh38, 1-based): chr6:133,462,406, C>T. VCF-style: chr6-133462406-C-T. GRCh37 (hg19) VCF-style: chr6-133783544-C-T.
Other names: c.347C>T, p.Ser116Leu (NM_001301012.2, NM_001370459.1); c.509C>T, p.Ser170Leu (NM_001301013.2, NM_172105.4); c.440C>T, p.Ser147Leu (NM_001370458.1, NM_172103.4); short protein forms S116L, S147L, S170L.
Identifiers: ClinVar variation 1316071 (VCV001316071.8), dbSNP rs184768806, ClinGen allele CA4008083.